The following is an entry in ClinVar:

ClinVar aggregate classification (germline): Likely pathogenic (1 of 4 stars; one submission).

Submission:

CeGaT Center for Human Genetics Tuebingen
Classification: Likely pathogenic. Last evaluated: 2026-01-01. Review status: criteria provided, single submitter. Criteria: CeGaT Center For Human Genetics Tuebingen Variant Classification Criteria Version 2. Collection method: clinical testing. Allele origin: germline. Affected: yes. Observed: 1 variant allele.
Comment: SCN1A: PM1, PM2, PM4:Supporting, PM5:Supporting

NM_001165963.4(SCN1A):c.310_312del (p.Ala104del)

Gene: SCN1A (sodium voltage-gated channel alpha subunit 1; minus strand). Cytogenetic location: 2q24.3.
Variant type: Deletion.
Coding change: c.310_312del on transcript NM_001165963.4 (MANE Select); coding-DNA positions 310 to 312, 3 bases deleted (GCC; older notation c.310_312delGCC).
Protein change: p.Ala104del; deletes alanine 104.
Molecular consequence: inframe deletion. On other transcripts: 5 prime UTR variant (1), non-coding transcript variant (1).
Genome position (GRCh38, 1-based): chr2:166,058,641-166,058,643, GGC deleted on the plus strand (GCC on the coding strand, the reverse complement: SCN1A is on the minus strand). VCF-style (leftmost placement, unchanged base first): chr2-166058640-TGGC-T. GRCh37 (hg19) VCF-style: chr2-166915150-TGGC-T.
Other names: c.310_312del, p.Ala104del (NM_001165964.3, NM_001202435.3, NM_001353948.2 and 10 more transcripts); c.-2116_-2114del (NM_001353961.2); short protein forms A104del.
Identifiers: ClinVar variation 916181 (VCV000916181.40), dbSNP rs1699362921, ClinGen allele CA1139655708.